The following is an entry in ClinVar:

NM_004153.4(ORC1):c.1186C>T (p.Arg396Trp)

Gene: ORC1 (origin recognition complex subunit 1; minus strand). Cytogenetic location: 1p32.3.
Variant type: single nucleotide variant.
Coding change: c.1186C>T on transcript NM_004153.4 (MANE Select); coding-DNA position 1186, C replaced by T.
Protein change: p.Arg396Trp; replaces arginine 396 with tryptophan.
Molecular consequence: missense variant.
Genome position (GRCh38, 1-based): chr1:52,389,218, G>A on the plus strand (C>T on the coding strand, the complement: ORC1 is on the minus strand). VCF-style: chr1-52389218-G-A. GRCh37 (hg19) VCF-style: chr1-52854890-G-A.
Other names: c.1186C>T, p.Arg396Trp (NM_001190818.2, NM_001190819.2); short protein forms R396W.
Identifiers: ClinVar variation 211797 (VCV000211797.29), dbSNP rs114426997, ClinGen allele CA209539.

ClinVar aggregate classification (germline): Benign/Likely benign. Review status: criteria provided, multiple submitters, no conflicts (2 of 4 stars). 6 submissions from 6 submitters: Benign (2); Likely benign (4). Last evaluated 2026-02-01.

Conditions:
ORC1-related disorder. Also called: ORC1-related condition.
Meier-Gorlin syndrome 1 (MGORS1). Also called: EAR, PATELLA, SHORT STATURE SYNDROME. Identifiers: Orphanet 2554, MedGen C4552001, MONDO:0009143, OMIM 224690.

Allele frequency attached by ClinVar (database versions not stated): gnomAD exomes 0.00041 and 0.00094; ExAC 0.00115; gnomAD 0.00367 and 0.00382; ESP Exome Variant Server 0.00392; TOPMed 0.00405; 1000 Genomes Project 30x 0.00437; 1000 Genomes Project 0.00479.
gnomAD v4.1: 1,179 of 1,611,550 alleles (0.073%); highest among the groups gnomAD compares: African/African-American, 1.3%; 8 homozygotes.

Submissions (6):

Labcorp Genetics (formerly Invitae), Labcorp
Classification: Benign. Last evaluated: 2026-02-01. Review status: criteria provided, single submitter. Criteria: Invitae Variant Classification Sherloc (09022015). Collection method: clinical testing. Allele origin: germline.

PreventionGenetics, part of Exact Sciences
Classification: Likely benign for ORC1-related condition. Last evaluated: 2025-11-22. Review status: criteria provided, single submitter. Criteria: ACMG Guidelines, 2015. Collection method: clinical testing. Allele origin: germline.
Comment: This variant is classified as likely benign based on ACMG/AMP sequence variant interpretation guidelines (Richards et al. 2015 PMID: 25741868, with internal and published modifications).

CeGaT Center for Human Genetics Tuebingen
Classification: Likely benign. Last evaluated: 2025-09-01. Review status: criteria provided, single submitter. Criteria: CeGaT Center For Human Genetics Tuebingen Variant Classification Criteria Version 2. Collection method: clinical testing. Allele origin: germline. Affected: yes. Observed: 1 variant allele.
Comment: ORC1: BP4, BS1

Blueprint Genetics
Classification: Likely benign. Last evaluated: 2024-10-16. Review status: criteria provided, single submitter. Criteria: ACMG Guidelines, 2015. Collection method: clinical testing. Allele origin: germline.

Illumina Laboratory Services, Illumina
Classification: Benign for Meier-Gorlin syndrome 1. Last evaluated: 2018-01-12. Review status: criteria provided, single submitter. Criteria: ICSL Variant Classification Criteria 13 December 2019. Collection method: clinical testing. Allele origin: germline.
Comment: This variant was observed in the ICSL laboratory as part of a predisposition screen in an ostensibly healthy population. It had not been previously curated by ICSL or reported in the Human Gene Mutation Database (HGMD: prior to June 1st, 2018), and was therefore a candidate for classification through an automated scoring system. Utilizing variant allele frequency, disease prevalence and penetrance estimates, and inheritance mode, an automated score was calculated to assess if this variant is too frequent to cause the disease. Based on the score and internal cut-off values, a variant classified as benign is not then subjected to further curation. The score for this variant resulted in a classification of benign for this disease.

Genetic Services Laboratory, University of Chicago
Classification: Likely benign. Last evaluated: 2015-07-07. Review status: criteria provided, single submitter. Criteria: ACMG Guidelines, 2015. Collection method: clinical testing. Allele origin: germline.